The following is an entry in ClinVar:

ClinVar aggregate classification (germline): Uncertain significance (1 of 4 stars; one submission).

Allele frequency attached by ClinVar (database versions not stated): gnomAD exomes below 0.00001 and 0.00001; ExAC 0.00001; gnomAD 0.00001; TOPMed 0.00001.
gnomAD v4.1: 21 of 1,612,070 alleles (0.0013%); highest among the groups gnomAD compares: Non-Finnish European, 0.0015%; no homozygotes.

Submission:

Labcorp Genetics (formerly Invitae), Labcorp
Classification: Uncertain significance. Last evaluated: 2023-10-03. Review status: criteria provided, single submitter. Criteria: Invitae Variant Classification Sherloc (09022015). Collection method: clinical testing. Allele origin: germline.
Comment: This sequence change replaces glycine, which is neutral and non-polar, with valine, which is neutral and non-polar, at codon 125 of the PDHX protein (p.Gly125Val). This variant is present in population databases (rs746240660, gnomAD 0.0009%). This variant has not been reported in the literature in individuals affected with PDHX-related conditions. ClinVar contains an entry for this variant (Variation ID: 1483058). Advanced modeling of protein sequence and biophysical properties (such as structural, functional, and spatial information, amino acid conservation, physicochemical variation, residue mobility, and thermodynamic stability) performed at Invitae indicates that this missense variant is expected to disrupt PDHX protein function. In summary, the available evidence is currently insufficient to determine the role of this variant in disease. Therefore, it has been classified as a Variant of Uncertain Significance.

NM_003477.3(PDHX):c.374G>T (p.Gly125Val)

Gene: PDHX (pyruvate dehydrogenase complex component X; plus strand). Cytogenetic location: 11p13.
Variant type: single nucleotide variant.
Coding change: c.374G>T on transcript NM_003477.3 (MANE Select); coding-DNA position 374, G replaced by T.
Protein change: p.Gly125Val; replaces glycine 125 with valine.
Molecular consequence: missense variant. On other transcripts: intron variant (1).
Genome position (GRCh38, 1-based): chr11:34,957,415, G>T. VCF-style: chr11-34957415-G-T. GRCh37 (hg19) VCF-style: chr11-34978962-G-T.
Other names: c.194G>T, p.Gly65Val (NM_001135024.2); c.342+9809G>T (NM_001166158.2); short protein forms G65V, G125V.
Identifiers: ClinVar variation 1483058 (VCV001483058.8), dbSNP rs746240660, ClinGen allele CA5945854.